The following is an entry in ClinVar:

ClinVar aggregate classification (germline): Uncertain significance. Review status: criteria provided, multiple submitters, no conflicts (2 of 4 stars). 4 submissions from 3 submitters: Uncertain significance (4). Last evaluated 2024-10-24.

Conditions:
Achromatopsia 3 (ACHM3). Also called: PINGELAPESE BLINDNESS; TOTAL COLORBLINDNESS WITH MYOPIA; ROD MONOCHROMACY 1; ROD MONOCHROMATISM 1; ACHROMATOPSIA WITH MYOPIA. Identifiers: Orphanet 49382, MedGen C1849792, MONDO:0009875, OMIM 262300.
Severe early-childhood-onset retinal dystrophy (STGD1). Also called: Stargardt macular dystrophy; Juvenile onset macular degeneration; Stargardt disease 1; MACULAR DYSTROPHY WITH FLECKS, TYPE 1; STGD. Identifiers: Orphanet 364055, Orphanet 827, MedGen C1855465, MeSH D000080362, MONDO:0009549, OMIM 248200.

Allele frequency attached by ClinVar (database versions not stated): gnomAD exomes 0.00006 and 0.00011; TOPMed 0.00005; ESP Exome Variant Server 0.00008; gnomAD 0.00006; ExAC 0.00011.
gnomAD v4.1: 101 of 1,613,888 alleles (0.0063%); highest among the groups gnomAD compares: Middle Eastern, 0.033%; no homozygotes.

Submissions (4):

Labcorp Genetics (formerly Invitae), Labcorp
Classification: Uncertain significance. Last evaluated: 2024-10-24. Review status: criteria provided, single submitter. Criteria: Invitae Variant Classification Sherloc (09022015). Collection method: clinical testing. Allele origin: germline.
Comment: This sequence change replaces threonine, which is neutral and polar, with asparagine, which is neutral and polar, at codon 226 of the CNGB3 protein (p.Thr226Asn). This variant is present in population databases (rs202240228, gnomAD 0.02%). This variant has not been reported in the literature in individuals affected with CNGB3-related conditions. ClinVar contains an entry for this variant (Variation ID: 910616). Invitae Evidence Modeling of protein sequence and biophysical properties (such as structural, functional, and spatial information, amino acid conservation, physicochemical variation, residue mobility, and thermodynamic stability) has been performed for this missense variant. However, the output from this modeling did not meet the statistical confidence thresholds required to predict the impact of this variant on CNGB3 protein function. In summary, the available evidence is currently insufficient to determine the role of this variant in disease. Therefore, it has been classified as a Variant of Uncertain Significance.

Blueprint Genetics
Classification: Uncertain significance. Last evaluated: 2024-06-20. Review status: criteria provided, single submitter. Criteria: ACMG Guidelines, 2015. Collection method: clinical testing. Allele origin: germline.

Illumina Laboratory Services, Illumina
Classification: Uncertain significance for Severe early-childhood-onset retinal dystrophy. Last evaluated: 2018-01-12. Review status: criteria provided, single submitter. Criteria: ICSL Variant Classification Criteria 13 December 2019. Collection method: clinical testing. Allele origin: germline.

Illumina Laboratory Services, Illumina
Classification: Uncertain significance for Achromatopsia 3. Last evaluated: 2018-01-12. Review status: criteria provided, single submitter. Criteria: ICSL Variant Classification Criteria 13 December 2019. Collection method: clinical testing. Allele origin: germline.

NM_019098.5(CNGB3):c.677C>A (p.Thr226Asn)

Gene: CNGB3 (cyclic nucleotide gated channel subunit beta 3; minus strand). Cytogenetic location: 8q21.3.
Variant type: single nucleotide variant.
Coding change: c.677C>A on transcript NM_019098.5 (MANE Select); coding-DNA position 677, C replaced by A.
Protein change: p.Thr226Asn; replaces threonine 226 with asparagine.
Molecular consequence: missense variant.
Genome position (GRCh38, 1-based): chr8:86,667,100, G>T on the plus strand (C>A on the coding strand, the complement: CNGB3 is on the minus strand). VCF-style: chr8-86667100-G-T. GRCh37 (hg19) VCF-style: chr8-87679328-G-T.
Other names: short protein forms T226N.
Identifiers: ClinVar variation 910616 (VCV000910616.7), dbSNP rs202240228, ClinGen allele CA4800308.